The following is an entry in ClinVar:

NM_000481.4(AMT):c.1162G>A (p.Val388Ile)

Gene: AMT (aminomethyltransferase; minus strand). Cytogenetic location: 3p21.31.
Variant type: single nucleotide variant.
Coding change: c.1162G>A on transcript NM_000481.4 (MANE Select); coding-DNA position 1162, G replaced by A.
Protein change: p.Val388Ile; replaces valine 388 with isoleucine.
Molecular consequence: missense variant. On other transcripts: non-coding transcript variant (1), intron variant (1).
Genome position (GRCh38, 1-based): chr3:49,417,590, C>T on the plus strand (G>A on the coding strand, the complement: AMT is on the minus strand). VCF-style: chr3-49417590-C-T. GRCh37 (hg19) VCF-style: chr3-49455023-C-T.
Other names: c.1030G>A, p.Val344Ile (NM_001164710.2); c.994G>A, p.Val332Ile (NM_001164711.2); c.1137+25G>A (NM_001164712.2); short protein forms V332I, V388I, V344I.
Identifiers: ClinVar variation 1980331 (VCV001980331.1), dbSNP rs749359730, ClinGen allele CA2398129.
Genomic context (GRCh38, chr3:49,417,590, plus strand): 5'-TGAGCCAGCTTCACTTGAGGGTATAGTAGTTTGTGGGCACAAAGGGCATCTTGCTGACTA[C>T]AGCCATCTGCTGCTTCCGCCGCACCTCTACCAGCAGCATTGTCCCTGGACGACTGTACTC-3'
Protein context (NP_000472.2, residues 378-398): VEVRRKQQMA[Val388Ile]VSKMPFVPTN

ClinVar aggregate classification (germline): Uncertain significance (1 of 4 stars; one submission).

Conditions:
Glycine encephalopathy. Also called: Nonketotic hyperglycinemia; Non-ketotic hyperglycinemia. Identifiers: Orphanet 407, MedGen C0751748, MONDO:0011612, HP:0008288.

Allele frequency attached by ClinVar (database versions not stated): ExAC 0.00002.
gnomAD v4.1: 8 of 1,614,062 alleles (0.0005%); highest among the groups gnomAD compares: African/African-American, 0.0027%; no homozygotes.

Submission:

Labcorp Genetics (formerly Invitae), Labcorp
Classification: Uncertain significance for Glycine encephalopathy. Last evaluated: 2022-04-20. Review status: criteria provided, single submitter. Criteria: Invitae Variant Classification Sherloc (09022015). Collection method: clinical testing. Allele origin: germline.
Comment: This sequence change replaces valine, which is neutral and non-polar, with isoleucine, which is neutral and non-polar, at codon 388 of the AMT protein (p.Val388Ile). This variant is present in population databases (rs749359730, gnomAD 0.007%). This variant has not been reported in the literature in individuals affected with AMT-related conditions. Advanced modeling of protein sequence and biophysical properties (such as structural, functional, and spatial information, amino acid conservation, physicochemical variation, residue mobility, and thermodynamic stability) performed at Invitae indicates that this missense variant is not expected to disrupt AMT protein function. In summary, the available evidence is currently insufficient to determine the role of this variant in disease. Therefore, it has been classified as a Variant of Uncertain Significance.